The following is an entry in ClinVar:

NM_000441.2(SLC26A4):c.1261C>A (p.Gln421Lys)

Gene: SLC26A4 (solute carrier family 26 member 4; plus strand). Cytogenetic location: 7q22.3.
Variant type: single nucleotide variant.
Coding change: c.1261C>A on transcript NM_000441.2 (MANE Select); coding-DNA position 1261, C replaced by A.
Protein change: p.Gln421Lys; replaces glutamine 421 with lysine.
Molecular consequence: missense variant.
Genome position (GRCh38, 1-based): chr7:107,690,235, C>A. VCF-style: chr7-107690235-C-A. GRCh37 (hg19) VCF-style: chr7-107330680-C-A.
Other names: short protein forms Q421K.
Identifiers: ClinVar variation 3901481 (VCV003901481.1).

ClinVar aggregate classification (germline): Likely pathogenic (1 of 4 stars; one submission).

Submission:

GeneDx
Classification: Likely pathogenic. Last evaluated: 2024-12-05. Review status: criteria provided, single submitter. Criteria: GeneDx Variant Classification Process June 2021. Collection method: clinical testing. Allele origin: germline. Affected: yes.
Comment: Not observed at significant frequency in large population cohorts (gnomAD); In silico analysis supports that this missense variant has a deleterious effect on protein structure/function; This variant is associated with the following publications: (PMID: 31033086, 21704276, 27771369)